The following is an entry in ClinVar:

NM_001035.3(RYR2):c.812C>T (p.Ala271Val)

Gene: RYR2 (ryanodine receptor 2; plus strand). Cytogenetic location: 1q43.
Variant type: single nucleotide variant.
Coding change: c.812C>T on transcript NM_001035.3 (MANE Select); coding-DNA position 812, C replaced by T.
Protein change: p.Ala271Val; replaces alanine 271 with valine.
Molecular consequence: missense variant.
Genome position (GRCh38, 1-based): chr1:237,417,087, C>T. VCF-style: chr1-237417087-C-T. GRCh37 (hg19) VCF-style: chr1-237580387-C-T.
Other names: p.A271V:GCA>GTA; c.812C>T, p.Ala271Val (LRG_402t1); short protein forms A271V.
Identifiers: ClinVar variation 201202 (VCV000201202.2), dbSNP rs794728714, ClinGen allele CA010832.

ClinVar aggregate classification (germline): Uncertain significance (1 of 4 stars; one submission).

Submission:

GeneDx
Classification: Uncertain significance. Last evaluated: 2013-08-15. Review status: criteria provided, single submitter. Criteria: GeneDx Variant Classification (06012015). Collection method: clinical testing. Allele origin: germline. Affected: yes.
Comment: p.Ala271Val (GCA>GTA): c.812 C>T in exon 11 of the RYR2 gene (NM_001035.2). The Ala271Val variant in the RYR2 gene has not been reported as a disease-causing mutation or as a benign polymorphism to our knowledge. Ala271Val results in a conservative amino acid substitution of one non-polar amino acid with another at a position that is well conserved across species. In silico algorithms are not consistent in their predictions but at least two concur that Ala271Val is damaging to the protein structure/function. No mutations in nearby residues have been reported in association with CPVT; however, Ala271Val is located in the N-terminal mutation hot-spot" domain in the RYR2 gene (Medeiros-Domingo A et al., 2009). Lastly, the Ala271Val variant was not observed in approximately 6,000 individuals of European and African American ancestry in the NHLBI Exome Sequencing Project, indicating it is not a common benign variant in these populations. With the clinical and molecular information available at this time, we cannot definitively determine if Ala271Val is a disease-causing mutation or a rare benign variant. Catecholaminergic Polymorphic Ventricular Tachycardia (CPVT) is characterized by syncope, typically beginning in the first decade of life, which may be triggered by physical activity or intense emotion. In patients with CPVT, stress-induced release of catecholamines causes a dysfunction of the calcium-ion channel in the myocytes (De La Fuente et al., 2008; Napolitano C et al., 2012; Priori S et al., 2002). CPVT is primarily caused by autosomal dominant mutations in the RYR2 and KCNJ2 genes. Less commonly, CPVT is caused by autosomal recessive mutations in the CASQ2 gene (Napolitano C et al., 2012). Approximately 50% of patients with autosomal dominant CPVT have been reported to have a mutation in the RYR2 gene, while mutations in the RYR2 gene associated with ARVC are rare (McNally E et al., 2009; Napolitano C et al., 2012). The variant is found in CPVT panel(s)."